The following is an entry in ClinVar:

NM_002585.4(PBX1):c.694G>T (p.Asp232Tyr)

Gene: PBX1 (PBX homeobox 1; plus strand). Cytogenetic location: 1q23.3.
Variant type: single nucleotide variant.
Coding change: c.694G>T on transcript NM_002585.4 (MANE Select); coding-DNA position 694, G replaced by T.
Protein change: p.Asp232Tyr; replaces aspartic acid 232 with tyrosine.
Molecular consequence: missense variant.
Genome position (GRCh38, 1-based): chr1:164,799,882, G>T. VCF-style: chr1-164799882-G-T. GRCh37 (hg19) VCF-style: chr1-164769119-G-T.
Other names: c.694G>T, p.Asp232Tyr (NM_001204961.2, NM_001204963.2, NM_001353131.2); c.445G>T, p.Asp149Tyr (NM_001353130.1); short protein forms D149Y, D232Y.
Identifiers: ClinVar variation 3776678 (VCV003776678.1).
Genomic context (GRCh38, chr1:164,799,882, plus strand): 5'-CAGATGCAGCTCAAGCAGAGCACGTGCGAGGCGGTGATGATCCTGCGTTCCCGATTTCTG[G>T]ATGCGCGGTGAGTCTCCCATGGGGCTGTCCTGCCCTCTCTGGGAGTCCCTGATCTGGGGC-3'
Protein context (NP_002576.1, residues 222-242): AVMILRSRFL[Asp232Tyr]ARRKRRNFNK

ClinVar aggregate classification (germline): Uncertain significance (1 of 4 stars; one submission).

Submission:

GeneDx
Classification: Uncertain significance. Last evaluated: 2024-10-02. Review status: criteria provided, single submitter. Criteria: GeneDx Variant Classification Process June 2021. Collection method: clinical testing. Allele origin: germline. Affected: yes.
Comment: Not observed at significant frequency in large population cohorts (gnomAD); In silico analysis supports that this missense variant has a deleterious effect on protein structure/function; Has not been previously published as pathogenic or benign to our knowledge